The following is an entry in ClinVar:

ClinVar aggregate classification (germline): Pathogenic (1 of 4 stars; one submission).

Conditions:
Glycogen storage disease, type II (IOPD). Also called: Pompe Disease; Glycogen storage disease type 2; Acid maltase deficiency disease; Aglucosidase alfa; Deficiency of alpha-glucosidase; Deficiency of lysosomal alpha-glucosidase. Identifiers: Orphanet 365, MedGen C0017921, MONDO:0009290, OMIM 232300.

Submission:

Labcorp Genetics (formerly Invitae), Labcorp
Classification: Pathogenic for Glycogen storage disease, type II. Last evaluated: 2019-08-22. Review status: criteria provided, single submitter. Criteria: Invitae Variant Classification Sherloc (09022015). Collection method: clinical testing. Allele origin: germline.
Comment: For these reasons, this variant has been classified as Pathogenic. Loss-of-function variants in GAA are known to be pathogenic (PMID: 18425781, 22252923). This variant has not been reported in the literature in individuals with GAA-related conditions. This variant is not present in population databases (ExAC no frequency). This sequence change creates a premature translational stop signal (p.Glu50*) in the GAA gene. It is expected to result in an absent or disrupted protein product.

Literature cited by the submitters: PubMed 18425781; PubMed 22252923.

NM_000152.5(GAA):c.148G>T (p.Glu50Ter)

Gene: GAA (alpha glucosidase; plus strand). Cytogenetic location: 17q25.3.
Variant type: single nucleotide variant.
Coding change: c.148G>T on transcript NM_000152.5 (MANE Select); coding-DNA position 148, G replaced by T.
Protein change: p.Glu50Ter; replaces glutamic acid 50 with a stop codon.
Molecular consequence: nonsense.
Genome position (GRCh38, 1-based): chr17:80,104,734, G>T. VCF-style: chr17-80104734-G-T. GRCh37 (hg19) VCF-style: chr17-78078533-G-T.
Other names: c.148G>T, p.Glu50Ter (NM_001079803.3, NM_001079804.3); short protein forms E50*.
Identifiers: ClinVar variation 938653 (VCV000938653.8), dbSNP rs1555598609, ClinGen allele CA401360341.